The following is an entry in ClinVar:

NM_138694.4(PKHD1):c.6111_6112insG (p.Ser2038fs)

Gene: PKHD1 (PKHD1 ciliary IPT domain containing fibrocystin/polyductin; minus strand). Cytogenetic location: 6p12.2.
Variant type: Insertion.
Coding change: c.6111_6112insG on transcript NM_138694.4 (MANE Select); coding-DNA positions 6111 to 6112, G inserted.
Protein change: p.Ser2038fs; shifts the reading frame from serine 2038.
Molecular consequence: frameshift variant.
Genome position: GRCh38 VCF-style: chr6-51934119-A-AC. GRCh37 (hg19) VCF-style: chr6-51798917-A-AC.
Other names: c.6111_6112insG, p.Ser2038fs (NM_170724.3); short protein forms S2038fs.
Identifiers: ClinVar variation 2833104 (VCV002833104.3), dbSNP rs2537009025, ClinGen allele CA2739273110.
Genomic context (GRCh38, chr6:51,934,119, plus strand): 5'-ACTGCTAGACACAGCTCTACTTCATTTCCTCTGATCAATTGCCTCACTCACCGTGCAGAG[A>AC]AAGAGTTCCATTCCTCACAGCCAGGAACTTGACTCCATAGGGAAAGAAGGGAGTTGAGTA-3'

ClinVar aggregate classification (germline): Pathogenic (1 of 4 stars; one submission).

Conditions:
Autosomal recessive polycystic kidney disease (ARPKD). Also called: AR polycystic kidney disease. Identifiers: Orphanet 731, Orphanet 8378, MedGen C0085548, MeSH D017044, MONDO:0009889.

Submission:

Labcorp Genetics (formerly Invitae), Labcorp
Classification: Pathogenic for Autosomal recessive polycystic kidney disease. Last evaluated: 2023-01-31. Review status: criteria provided, single submitter. Criteria: Invitae Variant Classification Sherloc (09022015). Collection method: clinical testing. Allele origin: germline.
Comment: This sequence change creates a premature translational stop signal (p.Ser2038Valfs*15) in the PKHD1 gene. It is expected to result in an absent or disrupted protein product. Loss-of-function variants in PKHD1 are known to be pathogenic (PMID: 19940839). This variant is not present in population databases (gnomAD no frequency). This variant has not been reported in the literature in individuals affected with PKHD1-related conditions. For these reasons, this variant has been classified as Pathogenic.

Literature cited by the submitters: PubMed 19940839.